The following is an entry in ClinVar:

NM_182931.3(KMT2E):c.556+5G>C

Gene: KMT2E (lysine methyltransferase 2E (inactive); plus strand). Cytogenetic location: 7q22.3.
Variant type: single nucleotide variant.
Coding change: c.556+5G>C on transcript NM_182931.3 (MANE Select); 5 bases into the intron after coding-DNA position 556, G replaced by C.
Molecular consequence: intron variant.
Genome position (GRCh38, 1-based): chr7:105,073,682, G>C. VCF-style: chr7-105073682-G-C. GRCh37 (hg19) VCF-style: chr7-104714129-G-C.
Other names: c.556+5G>C (NM_018682.4).
Identifiers: ClinVar variation 2022479 (VCV002022479.4), dbSNP rs2536417258, ClinGen allele CA2580076089.

ClinVar aggregate classification (germline): Uncertain significance (1 of 4 stars; one submission).

Submission:

Labcorp Genetics (formerly Invitae), Labcorp
Classification: Uncertain significance. Last evaluated: 2022-08-07. Review status: criteria provided, single submitter. Criteria: Invitae Variant Classification Sherloc (09022015). Collection method: clinical testing. Allele origin: germline.
Comment: This sequence change falls in intron 7 of the KMT2E gene. It does not directly change the encoded amino acid sequence of the KMT2E protein. It affects a nucleotide within the consensus splice site. This variant is not present in population databases (gnomAD no frequency). This variant has not been reported in the literature in individuals affected with KMT2E-related conditions. Variants that disrupt the consensus splice site are a relatively common cause of aberrant splicing (PMID: 17576681, 9536098). Algorithms developed to predict the effect of sequence changes on RNA splicing suggest that this variant may disrupt the consensus splice site. In summary, the available evidence is currently insufficient to determine the role of this variant in disease. Therefore, it has been classified as a Variant of Uncertain Significance.

Literature cited by the submitters: PubMed 17576681; PubMed 9536098.